The following is an entry in ClinVar:

ClinVar aggregate classification (germline): Uncertain significance. Review status: criteria provided, multiple submitters, no conflicts (2 of 4 stars). 4 submissions from 4 submitters: Uncertain significance (4). Last evaluated 2024-04-04.

Conditions:
Juvenile polyposis syndrome (JPS). Identifiers: Orphanet 2929, MedGen C0345893, MONDO:0017380, OMIM 174900.
Hereditary cancer-predisposing syndrome. Also called: Neoplastic Syndromes, Hereditary; Tumor predisposition; Hereditary neoplastic syndrome; Hereditary Cancer Syndrome. Identifiers: Orphanet 140162, MedGen C0027672, MeSH D009386, MONDO:0015356.

Submissions (4):

Ambry Genetics
Classification: Uncertain significance for Hereditary cancer-predisposing syndrome. Last evaluated: 2024-04-04. Review status: criteria provided, single submitter. Criteria: Ambry Variant Classification Scheme 2023. Collection method: clinical testing. Allele origin: germline.
Comment: The p.Q91K variant (also known as c.271C>A), located in coding exon 3 of the BMPR1A gene, results from a C to A substitution at nucleotide position 271. The glutamine at codon 91 is replaced by lysine, an amino acid with similar properties. This amino acid position is conserved. In addition, this alteration is predicted to be tolerated by in silico analysis. Based on the available evidence, the clinical significance of this variant remains unclear.

Color Diagnostics, LLC DBA Color Health
Classification: Uncertain significance for Hereditary cancer-predisposing syndrome. Last evaluated: 2024-03-06. Review status: criteria provided, single submitter. Criteria: ACMG Guidelines, 2015. Collection method: clinical testing. Allele origin: germline.
Comment: This missense variant replaces glutamine with lysine at codon 91 of the BMPR1A protein. Computational prediction suggests that this variant may not impact protein structure and function (internally defined REVEL score threshold <= 0.5, PMID: 27666373). To our knowledge, functional studies have not been reported for this variant. This variant has not been reported in individuals affected with hereditary cancer in the literature. This variant has not been identified in the general population by the Genome Aggregation Database (gnomAD). The available evidence is insufficient to determine the role of this variant in disease conclusively. Therefore, this variant is classified as a Variant of Uncertain Significance.

All of Us Research Program, National Institutes of Health
Classification: Uncertain significance for Juvenile polyposis syndrome. Last evaluated: 2023-04-27. Review status: criteria provided, single submitter. Criteria: ACMG Guidelines, 2015. Collection method: clinical testing. Allele origin: germline. Inheritance: Autosomal dominant inheritance. Observed: 1 variant allele, 1 heterozygote.
Comment: This missense variant replaces glutamine with lysine at codon 91 of the BMPR1A protein. Computational prediction suggests that this variant may not impact protein structure and function (internally defined REVEL score threshold <= 0.5, PMID: 27666373). To our knowledge, functional studies have not been reported for this variant. This variant has not been reported in individuals affected with hereditary cancer in the literature. This variant has not been identified in the general population by the Genome Aggregation Database (gnomAD). The available evidence is insufficient to determine the role of this variant in disease conclusively. Therefore, this variant is classified as a Variant of Uncertain Significance.

This study involves interpretation of variants in research participants for the purpose of population health screening. Participant phenotype was not available at the time of variant classification. Additional details can be found in publication PMID: 35346344, PMCID: PMC8962531

Labcorp Genetics (formerly Invitae), Labcorp
Classification: Uncertain significance for Juvenile polyposis syndrome. Last evaluated: 2022-06-27. Review status: criteria provided, single submitter. Criteria: Invitae Variant Classification Sherloc (09022015). Collection method: clinical testing. Allele origin: germline.
Comment: This sequence change replaces glutamine, which is neutral and polar, with lysine, which is basic and polar, at codon 91 of the BMPR1A protein (p.Gln91Lys). This variant is not present in population databases (gnomAD no frequency). This variant has not been reported in the literature in individuals affected with BMPR1A-related conditions. ClinVar contains an entry for this variant (Variation ID: 239860). Advanced modeling of protein sequence and biophysical properties (such as structural, functional, and spatial information, amino acid conservation, physicochemical variation, residue mobility, and thermodynamic stability) performed at Invitae indicates that this missense variant is not expected to disrupt BMPR1A protein function. In summary, the available evidence is currently insufficient to determine the role of this variant in disease. Therefore, it has been classified as a Variant of Uncertain Significance.

NM_004329.3(BMPR1A):c.271C>A (p.Gln91Lys)

Gene: BMPR1A (bone morphogenetic protein receptor type 1A; plus strand). Cytogenetic location: 10q23.2.
Variant type: single nucleotide variant.
Coding change: c.271C>A on transcript NM_004329.3 (MANE Select); coding-DNA position 271, C replaced by A.
Protein change: p.Gln91Lys; replaces glutamine 91 with lysine.
Molecular consequence: missense variant.
Genome position (GRCh38, 1-based): chr10:86,892,167, C>A. VCF-style: chr10-86892167-C-A. GRCh37 (hg19) VCF-style: chr10-88651924-C-A.
Other names: short protein forms Q91K.
Identifiers: ClinVar variation 239860 (VCV000239860.13), dbSNP rs878854667, ClinGen allele CA10582741.